The following is an entry in ClinVar:

NM_001103.4(ACTN2):c.2424C>T (p.Thr808=)

Gene: ACTN2 (actinin alpha 2; plus strand). Cytogenetic location: 1q43.
Variant type: single nucleotide variant.
Coding change: c.2424C>T on transcript NM_001103.4 (MANE Select); coding-DNA position 2424, C replaced by T.
Protein change: p.Thr808=; no amino-acid change (threonine 808 retained).
Molecular consequence: synonymous variant.
Genome position (GRCh38, 1-based): chr1:236,761,071, C>T. VCF-style: chr1-236761071-C-T. GRCh37 (hg19) VCF-style: chr1-236924371-C-T.
Other names: c.2424C>T, p.Thr808= (NM_001278343.2); c.1800C>T, p.Thr600= (NM_001278344.2).
Identifiers: ClinVar variation 382171 (VCV000382171.14), dbSNP rs202204431, ClinGen allele CA1473443.

ClinVar aggregate classification (germline): Likely benign. Review status: criteria provided, multiple submitters, no conflicts (2 of 4 stars). 3 submissions from 3 submitters: Likely benign (3). Last evaluated 2025-08-21.

Conditions:
Cardiovascular phenotype. Identifiers: MedGen CN230736.
Dilated cardiomyopathy 1AA (CMD1AA). Also called: CARDIOMYOPATHY, DILATED, 1AA, WITH OR WITHOUT LEFT VENTRICULAR NONCOMPACTION; CARDIOMYOPATHY, FAMILIAL HYPERTROPHIC, 23, WITH OR WITHOUT LEFT VENTRICULAR NONCOMPACTION; Cardiomyopathy, dilated, 1AA, with or without LVNC. Identifiers: Orphanet 154, MedGen C2677338, MONDO:0012808, OMIM 612158.
Primary familial hypertrophic cardiomyopathy (HCM). Identifiers: Orphanet 99739, MedGen C0949658, MeSH D024741, MONDO:0024573. Inheritance: Various modes of inheritance.

Allele frequency attached by ClinVar (database versions not stated): gnomAD 0.00001 and 0.00002; gnomAD exomes 0.00001 and 0.00002; TOPMed 0.00002; ExAC 0.00003; 1000 Genomes Project 30x 0.00016; 1000 Genomes Project 0.00020.
gnomAD v4.1: 16 of 1,614,106 alleles (0.00099%); highest among the groups gnomAD compares: African/African-American, 0.0013%; no homozygotes.

Submissions (3):

Labcorp Genetics (formerly Invitae), Labcorp
Classification: Likely benign for Primary familial hypertrophic cardiomyopathy; Dilated cardiomyopathy 1AA. Last evaluated: 2025-08-21. Review status: criteria provided, single submitter. Criteria: Invitae Variant Classification Sherloc (09022015). Collection method: clinical testing. Allele origin: germline.

Ambry Genetics
Classification: Likely benign for Cardiovascular phenotype. Last evaluated: 2021-11-28. Review status: criteria provided, single submitter. Criteria: Ambry Variant Classification Scheme 2023. Collection method: clinical testing. Allele origin: germline.

GeneDx
Classification: Likely benign. Last evaluated: 2017-06-26. Review status: criteria provided, single submitter. Criteria: GeneDx Variant Classification (06012015). Collection method: clinical testing. Allele origin: germline. Affected: yes.
Comment: This variant is considered likely benign or benign based on one or more of the following criteria: it is a conservative change, it occurs at a poorly conserved position in the protein, it is predicted to be benign by multiple in silico algorithms, and/or has population frequency not consistent with disease.